The following is an entry in ClinVar:

NM_001130987.2(DYSF):c.1264_1276+1dup

Gene: DYSF (dysferlin; plus strand). Cytogenetic location: 2p13.2.
Variant type: Duplication.
Coding change: c.1264_1276+1dup on transcript NM_001130987.2 (MANE Select); coding-DNA position 1264 through the canonical splice donor site of the intron after coding-DNA position 1276, 14 bases duplicated (GACTTGCCGCAGAG).
Molecular consequence: splice donor variant.
Genome position (GRCh38, 1-based): chr2:71,526,334-71,526,347, GACTTGCCGCAGAG duplicated; duplicating any 14 consecutive bases within chr2:71,526,331-71,526,347 gives the same sequence; the c. name uses the placement nearest the transcript's 3' end. VCF-style (leftmost placement, unchanged base first): chr2-71526330-C-CGAGGACTTGCCGCA. GRCh37 (hg19) VCF-style: chr2-71753460-C-CGAGGACTTGCCGCA.
Other names: c.1261_1273+1dup (NM_001130979.2, NM_001130981.2, NM_001130980.2); c.1168_1180+1dup (NM_001130978.2, NM_003494.4, NM_001130977.2 and 2 more transcripts); c.1264_1276+1dup (NM_001130982.2, NM_001130985.2); c.1171_1183+1dup (NM_001130983.2, NM_001130455.2, NM_001130984.2 and 1 more transcripts).
Identifiers: ClinVar variation 2675004 (VCV002675004.4), dbSNP rs746745779, ClinGen allele CA1705665.

ClinVar aggregate classification (germline): Pathogenic/Likely pathogenic. Review status: criteria provided, multiple submitters, no conflicts (2 of 4 stars). 4 submissions from 4 submitters: Pathogenic (3); Likely pathogenic (1). Last evaluated 2026-08-28.

Conditions:
Miyoshi muscular dystrophy 1 (MMD1). Identifiers: Orphanet 45448, MedGen C4551973, MONDO:0024545, OMIM 254130.
Autosomal recessive limb-girdle muscular dystrophy type 2B (LGMDR2). Also called: Limb-girdle muscular dystrophy, type 2B; Limb-Girdle Muscular Dystrophy Type 2B (LGMD2B); MUSCULAR DYSTROPHY, LIMB-GIRDLE, AUTOSOMAL RECESSIVE 2; MUSCULAR DYSTROPHY, LIMB-GIRDLE, TYPE 3. Identifiers: Orphanet 268, MedGen C1850889, MONDO:0009676, OMIM 253601.
DYSF-related disorder. Also called: DYSF-related condition; DYSF-related disorders.
Autosomal recessive limb-girdle muscular dystrophy. Identifiers: Orphanet 102015, MedGen C2931907, MONDO:0015152.

Submissions (4):

Myriad Genetics, Inc.
Classification: Pathogenic for Autosomal recessive limb-girdle muscular dystrophy. Last evaluated: 2026-08-28. Review status: criteria provided, single submitter. Criteria: Myriad Autosomal Dominant, Autosomal Recessive and X-Linked Classification Criteria (2023). Collection method: clinical testing. Allele origin: unknown.
Comment: NM_003494.3(DYSF):c.1168_1180+1dup14 is a variant in a canonical splice site classified as pathogenic in the context of dysferlinopathy. c.1168_1180+1dup14 has been observed in cases with relevant disease (PMID: 19528035). Relevant functional assessments of this variant are not available in the literature. c.1168_1180+1dup14 has been observed in referenced population frequency databases. In summary, NM_003494.3(DYSF):c.1168_1180+1dup14 is a variant in a canonical splice site in a gene where loss of function is a known mechanism of disease, is predicted to disrupt protein function, and has been observed more frequently in cases with the relevant disease than in healthy populations. Please note: this variant was assessed in the context of healthy population screening.

Natera, Inc.
Classification: Pathogenic for Limb-girdle muscular dystrophy type 2B. Last evaluated: 2025-12-02. Review status: criteria provided, single submitter. Criteria: Natera Variant Classification Schema (03/2026). Collection method: clinical testing. Allele origin: germline.
Comment: The c.1168_1180+1dup variant in DYSF is a canonical splice donor site variant predicted to affect pre-mRNA splicing, which may result in an abnormal transcript and altered protein product. This variant is expected to result in nonsense mediated decay, truncation, or a dysfunctional protein product. This variant is rare in the general population with a frequency below the threshold expected for the associated phenotype(s). This variant has been observed in one or more individuals affected with the associated recessive disease, as either homozygous or compound heterozygous with a second variant (PMID: 19528035). Given the available evidence, this variant is classified as Pathogenic.

Blueprint Genetics
Classification: Pathogenic for DYSF-related disorders. Last evaluated: 2024-02-15. Review status: criteria provided, single submitter. Criteria: ACMG Guidelines, 2015. Collection method: clinical testing. Allele origin: germline. Affected: yes. Observed: 1 variant allele.

Baylor Genetics
Classification: Likely pathogenic for Miyoshi muscular dystrophy 1. Last evaluated: 2022-04-21. Review status: criteria provided, single submitter. Criteria: ACMG Guidelines, 2015. Collection method: clinical testing. Allele origin: unknown.

Literature cited by the submitters: PubMed 19528035 (cited by Myriad Genetics, Inc. and Natera, Inc.).